The following is an entry in ClinVar:

ClinVar aggregate classification (germline): Pathogenic (1 of 4 stars; one submission).

Conditions:
Adams-Oliver syndrome 2 (AOS2). Identifiers: Orphanet 974, MedGen C3280182, MONDO:0013635, OMIM 614219.

Submission:

3billion
Classification: Pathogenic for Adams-Oliver syndrome 2. Last evaluated: 2026-01-21. Review status: criteria provided, single submitter. Criteria: ACMG Guidelines, 2015. Collection method: clinical testing. Allele origin: germline. Affected: yes.
Comment: The variant is not observed in the gnomAD v4.1.0 dataset. Predicted Consequence/Location: Stop-gained (nonsense): predicted to result in a loss or disruption of normal protein function through nonsense-mediated decay (NMD) or protein truncation. Multiple pathogenic variants are reported downstream of the variant. Therefore, this variant is classified as Pathogenic according to the recommendation of ACMG/AMP guideline.

NM_020812.4(DOCK6):c.3949del (p.Asp1316_Met1317insTer)

Genes: DOCK6 (dedicator of cytokinesis 6; minus strand), DOCK6-AS1 (DOCK6 antisense RNA 1; plus strand). Cytogenetic location: 19p13.2.
Variant type: Deletion.
Coding change: c.3949del on transcript NM_020812.4 (MANE Select); coding-DNA position 3949, one base deleted (A; older notation c.3949delA).
Protein change: p.Asp1316_Met1317insTer.
Molecular consequence: nonsense.
Genome position (GRCh38, 1-based): chr19:11,215,873, T deleted on the plus strand (A on the coding strand, the reverse complement: DOCK6 is on the minus strand). VCF-style (leftmost placement, unchanged base first): chr19-11215872-AT-A. GRCh37 (hg19) VCF-style: chr19-11326548-AT-A.
Other names: c.4054del, p.Asp1351_Met1352insTer (NM_001367830.1).
Identifiers: ClinVar variation 4854064 (VCV004854064.1).